The following is an entry in ClinVar:

ClinVar aggregate classification (germline): Conflicting classifications of pathogenicity. Review status: criteria provided, conflicting classifications (1 of 4 stars). 2 submissions from 2 submitters: Uncertain significance (1); Likely benign (1). Last evaluated 2026-03-16.

Conditions:
Perlman syndrome (PRLMNS). Identifiers: Orphanet 2849, MedGen C0796113, MONDO:0009965, OMIM 267000.

Allele frequency attached by ClinVar (database versions not stated): gnomAD exomes 0.00001 and 0.00002; TOPMed 0.00001; ExAC 0.00001.
gnomAD v4.1: 22 of 1,612,316 alleles (0.0014%); highest among the groups gnomAD compares: Middle Eastern, 0.017%; no homozygotes.

Submissions (2):

Dasa
Classification: Uncertain significance for Perlman syndrome. Last evaluated: 2026-03-16. Review status: criteria provided, single submitter. Criteria: DASA Assertion Criteria. Collection method: clinical testing. Allele origin: germline.
Comment: NM_152383.5(DIS3L2):c.950+7G>A is a splice-region variant. This variant is absent from population databases. Computational prediction algorithms are consistent with a benign effect. The currently available literature and clinical evidence are not sufficient to establish a definitive association between this variant and the reported condition. Therefore, this variant is classified as a variant of uncertain significance.

Labcorp Genetics (formerly Invitae), Labcorp
Classification: Likely benign for Perlman syndrome. Last evaluated: 2025-12-01. Review status: criteria provided, single submitter. Criteria: Invitae Variant Classification Sherloc (09022015). Collection method: clinical testing. Allele origin: germline.

NM_152383.5(DIS3L2):c.950+7G>A

Gene: DIS3L2 (DIS3 like 3'-5' exoribonuclease 2; plus strand). Cytogenetic location: 2q37.1.
Variant type: single nucleotide variant.
Coding change: c.950+7G>A on transcript NM_152383.5 (MANE Select); 7 bases into the intron after coding-DNA position 950, G replaced by A.
Molecular consequence: intron variant.
Genome position (GRCh38, 1-based): chr2:232,136,726, G>A. VCF-style: chr2-232136726-G-A. GRCh37 (hg19) VCF-style: chr2-233001436-G-A.
Other names: c.950+7G>A (NM_001257281.2).
Identifiers: ClinVar variation 702613 (VCV000702613.12), dbSNP rs771043528, ClinGen allele CA2163974.